The following is an entry in ClinVar:

NM_020987.5(ANK3):c.10524A>T (p.Arg3508Ser)

Gene: ANK3 (ankyrin 3; minus strand). Cytogenetic location: 10q21.2.
Variant type: single nucleotide variant.
Coding change: c.10524A>T on transcript NM_020987.5 (MANE Select); coding-DNA position 10524, A replaced by T.
Protein change: p.Arg3508Ser; replaces arginine 3508 with serine.
Molecular consequence: missense variant. On other transcripts: intron variant (4).
Genome position (GRCh38, 1-based): chr10:60,070,357, T>A on the plus strand (A>T on the coding strand, the complement: ANK3 is on the minus strand). VCF-style: chr10-60070357-T-A. GRCh37 (hg19) VCF-style: chr10-61830115-T-A.
Other names: c.4388-2348A>T (NM_001204403.2); c.4409-2348A>T (NM_001204404.2); c.4406-2348A>T (NM_001320874.2); c.1808-2348A>T (NM_001149.4); short protein forms R3508S.
Identifiers: ClinVar variation 4071885 (VCV004071885.1).

ClinVar aggregate classification (germline): Uncertain significance (1 of 4 stars; one submission).

Submission:

GeneDx
Classification: Uncertain significance. Last evaluated: 2025-01-26. Review status: criteria provided, single submitter. Criteria: GeneDx Variant Classification Process June 2021. Collection method: clinical testing. Allele origin: germline. Affected: yes.
Comment: Not observed at significant frequency in large population cohorts (gnomAD); In silico analysis indicates that this missense variant does not alter protein structure/function; Has not been previously published as pathogenic or benign to our knowledge